The following is an entry in ClinVar:

ClinVar aggregate classification (germline): Uncertain significance (1 of 4 stars; one submission).

Conditions:
Neurofibromatosis, type 1 (NF1). Also called: VON RECKLINGHAUSEN DISEASE; Peripheral type neurofibromatosis; Neurofibromatosis, type I; NEUROFIBROMATOSIS, TYPE I, SOMATIC. Identifiers: Orphanet 636, MedGen C0027831, MONDO:0018975, OMIM 162200. Disease mechanism: loss of function.

Submission:

Labcorp Genetics (formerly Invitae), Labcorp
Classification: Uncertain significance for Neurofibromatosis, type 1. Last evaluated: 2019-09-05. Review status: criteria provided, single submitter. Criteria: Invitae Variant Classification Sherloc (09022015). Collection method: clinical testing. Allele origin: germline.
Comment: In summary, the available evidence is currently insufficient to determine the role of this variant in disease. Therefore, it has been classified as a Variant of Uncertain Significance. Algorithms developed to predict the effect of missense changes on protein structure and function are either unavailable or do not agree on the potential impact of this missense change (SIFT: "Deleterious"; PolyPhen-2: "Probably Damaging"; Align-GVGD: "Class C0"). This variant has not been reported in the literature in individuals with NF1-related conditions. This variant is not present in population databases (ExAC no frequency). This sequence change replaces proline with threonine at codon 2742 of the NF1 protein (p.Pro2742Thr). The proline residue is moderately conserved and there is a small physicochemical difference between proline and threonine.

NM_001042492.3(NF1):c.8287C>A (p.Pro2763Thr)

Gene: NF1 (neurofibromin 1; plus strand). Cytogenetic location: 17q11.2.
Variant type: single nucleotide variant.
Coding change: c.8287C>A on transcript NM_001042492.3 (MANE Select); coding-DNA position 8287, C replaced by A.
Protein change: p.Pro2763Thr; replaces proline 2763 with threonine.
Molecular consequence: missense variant.
Genome position (GRCh38, 1-based): chr17:31,360,613, C>A. VCF-style: chr17-31360613-C-A. GRCh37 (hg19) VCF-style: chr17-29687631-C-A.
Other names: c.8224C>A, p.Pro2742Thr (NM_000267.4); short protein forms P2763T, P2742T.
Identifiers: ClinVar variation 933469 (VCV000933469.6), dbSNP rs2070375557, ClinGen allele CA399204830.